The following is an entry in ClinVar:

NM_017780.4(CHD7):c.6372C>G (p.Phe2124Leu)

Gene: CHD7 (chromodomain helicase DNA binding protein 7; plus strand). Cytogenetic location: 8q12.2.
Variant type: single nucleotide variant.
Coding change: c.6372C>G on transcript NM_017780.4 (MANE Select); coding-DNA position 6372, C replaced by G.
Protein change: p.Phe2124Leu; replaces phenylalanine 2124 with leucine.
Molecular consequence: missense variant. On other transcripts: intron variant (1).
Genome position (GRCh38, 1-based): chr8:60,853,097, C>G. VCF-style: chr8-60853097-C-G. GRCh37 (hg19) VCF-style: chr8-61765656-C-G.
Other names: c.1717-9132C>G (NM_001316690.1); short protein forms F2124L.
Identifiers: ClinVar variation 2430443 (VCV002430443.1), dbSNP rs2488042693, ClinGen allele CA371324941.

ClinVar aggregate classification (germline): Uncertain significance (1 of 4 stars; one submission).

Submission:

GeneDx
Classification: Uncertain significance. Last evaluated: 2022-08-22. Review status: criteria provided, single submitter. Criteria: GeneDx Variant Classification Process June 2021. Collection method: clinical testing. Allele origin: germline. Affected: yes.
Comment: Not observed at significant frequency in large population cohorts (gnomAD); In silico analysis supports that this missense variant has a deleterious effect on protein structure/function; Has not been previously published as pathogenic or benign to our knowledge